The following is an entry in ClinVar:

ClinVar aggregate classification (germline): Likely benign (1 of 4 stars; one submission).

gnomAD v4.1: 14 of 1,614,090 alleles (0.00087%); highest among the groups gnomAD compares: Middle Eastern, 0.033%; no homozygotes.

Submission:

CeGaT Center for Human Genetics Tuebingen
Classification: Likely benign. Last evaluated: 2024-11-01. Review status: criteria provided, single submitter. Criteria: CeGaT Center For Human Genetics Tuebingen Variant Classification Criteria Version 2. Collection method: clinical testing. Allele origin: germline. Affected: yes. Observed: 1 variant allele.
Comment: RIC1: BP4, BP7

NM_020829.4(RIC1):c.3258G>A (p.Leu1086=)

Gene: RIC1 (RIC1 partner of RAB6A GEF complex; plus strand). Cytogenetic location: 9p24.1.
Variant type: single nucleotide variant.
Coding change: c.3258G>A on transcript NM_020829.4 (MANE Select); coding-DNA position 3258, G replaced by A.
Protein change: p.Leu1086=; no amino-acid change (leucine 1086 retained).
Molecular consequence: synonymous variant.
Genome position (GRCh38, 1-based): chr9:5,769,090, G>A. VCF-style: chr9-5769090-G-A. GRCh37 (hg19) VCF-style: chr9-5769090-G-A.
Other names: c.3258G>A, p.Leu1086= (NM_001135920.4); c.3147G>A, p.Leu1049= (NM_001206557.2).
Identifiers: ClinVar variation 3388734 (VCV003388734.14).